The following is an entry in ClinVar:

ClinVar aggregate classification (germline): Pathogenic (1 of 4 stars; one submission).

Conditions:
Autism spectrum disorder - epilepsy - arthrogryposis syndrome (AMRS). Identifiers: Orphanet 370943, MedGen C3809910, MONDO:0014248, OMIM 615553.

Submission:

Labcorp Genetics (formerly Invitae), Labcorp
Classification: Pathogenic for Autism spectrum disorder - epilepsy - arthrogryposis syndrome. Last evaluated: 2022-06-22. Review status: criteria provided, single submitter. Criteria: Invitae Variant Classification Sherloc (09022015). Collection method: clinical testing. Allele origin: germline.
Comment: This variant is a gross deletion of the genomic region encompassing exon(s) 1-7 of the SLC35A3 gene, which includes the initiator codon. This deletion extends beyond the assayed region for this gene and therefore may encompass additional genes. It is expected to result in an absent or disrupted protein product. Loss-of-function variants in SLC35A3 are known to be pathogenic (PMID: 24031089, 28328131). This variant has not been reported in the literature in individuals affected with SLC35A3-related conditions. For these reasons, this variant has been classified as Pathogenic.

Literature cited by the submitters: PubMed 24031089; PubMed 28328131.

NC_000001.10:g.(?_100316589)_(100483381_?)del

Genes: AGL (amylo-alpha-1, 6-glucosidase, 4-alpha-glucanotransferase; plus strand), SLC35A3 (solute carrier family 35 member A3; plus strand). Cytogenetic location: 1p21.2.
Variant type: Deletion.
Identifiers: ClinVar variation 2425783 (VCV002425783.4).